The following is an entry in ClinVar:

ClinVar aggregate classification (germline): Uncertain significance (1 of 4 stars; one submission).

Allele frequency attached by ClinVar (database versions not stated): gnomAD exomes below 0.00001; TOPMed 0.00002; gnomAD 0.00001.
gnomAD v4.1: 6 of 1,528,782 alleles (0.00039%); highest among the groups gnomAD compares: South Asian, 0.0012%; no homozygotes.

Submission:

Labcorp Genetics (formerly Invitae), Labcorp
Classification: Uncertain significance. Last evaluated: 2025-06-02. Review status: criteria provided, single submitter. Criteria: Invitae Variant Classification Sherloc (09022015). Collection method: clinical testing. Allele origin: germline.
Comment: This sequence change replaces proline, which is neutral and non-polar, with serine, which is neutral and polar, at codon 15 of the IFITM5 protein (p.Pro15Ser). The frequency data for this variant in the population databases is considered unreliable, as metrics indicate poor data quality at this position in the gnomAD database. This variant has not been reported in the literature in individuals affected with IFITM5-related conditions. ClinVar contains an entry for this variant (Variation ID: 2988936). An algorithm developed to predict the effect of missense changes on protein structure and function outputs the following: PolyPhen-2: "Benign". The serine amino acid residue is found in multiple mammalian species, which suggests that this missense change does not adversely affect protein function. In summary, the available evidence is currently insufficient to determine the role of this variant in disease. Therefore, it has been classified as a Variant of Uncertain Significance.

NM_001025295.3(IFITM5):c.43C>T (p.Pro15Ser)

Gene: IFITM5 (interferon induced transmembrane protein 5; minus strand). Cytogenetic location: 11p15.5.
Variant type: single nucleotide variant.
Coding change: c.43C>T on transcript NM_001025295.3 (MANE Select); coding-DNA position 43, C replaced by T.
Protein change: p.Pro15Ser; replaces proline 15 with serine.
Molecular consequence: missense variant.
Genome position (GRCh38, 1-based): chr11:299,448, G>A on the plus strand (C>T on the coding strand, the complement: IFITM5 is on the minus strand). VCF-style: chr11-299448-G-A. GRCh37 (hg19) VCF-style: chr11-299448-G-A.
Other names: short protein forms P15S.
Identifiers: ClinVar variation 2988936 (VCV002988936.3), dbSNP rs1206319022, ClinGen allele CA378891103.
Genomic context (GRCh38, chr11:299,448, plus strand): 5'-CTCGAGGCGGGGGGTGCGGGGCCCCCAGTGTGAGGGCTGTGTGGGCACCGGCCTTGCTGG[G>A]CGTGGGGGCCCGGGTGTCCTCGCGGGGATACGCCGTGTCCATGGGTTCCAGCGCCGTCTC-3'
Protein context (NP_001020466.1, residues 5-25): YPREDTRAPT[Pro15Ser]SKAGAHTALT